The following is an entry in ClinVar:

ClinVar aggregate classification (germline): Uncertain significance. Review status: criteria provided, multiple submitters, no conflicts (2 of 4 stars). 2 submissions from 2 submitters: Uncertain significance (2). Last evaluated 2022-08-15.

Conditions:
Meckel-Gruber syndrome. Also called: Dysencephalia splachnocystica; GRUBER SYNDROME; DYSENCEPHALIA SPLANCHNOCYSTICA. Identifiers: Orphanet 564, MedGen C0265215, MONDO:0018921.
Joubert syndrome. Also called: JOUBERT-BOLTSHAUSER SYNDROME; Familial aplasia of the vermis; CEREBELLOPARENCHYMAL DISORDER IV. Identifiers: Orphanet 475, MedGen C5979921, MONDO:0018772.

Submissions (2):

Labcorp Genetics (formerly Invitae), Labcorp
Classification: Uncertain significance for Joubert syndrome; Meckel-Gruber syndrome. Last evaluated: 2022-08-15. Review status: criteria provided, single submitter. Criteria: Invitae Variant Classification Sherloc (09022015). Collection method: clinical testing. Allele origin: germline.
Comment: In summary, the available evidence is currently insufficient to determine the role of this variant in disease. Therefore, it has been classified as a Variant of Uncertain Significance. Experimental studies and prediction algorithms are not available or were not evaluated, and the functional significance of this variant is currently unknown. ClinVar contains an entry for this variant (Variation ID: 423893). This variant has not been reported in the literature in individuals affected with B9D1-related conditions. This variant is not present in population databases (gnomAD no frequency). This variant, c.449_451del, results in the deletion of 1 amino acid(s) of the B9D1 protein (p.Val150del), but otherwise preserves the integrity of the reading frame.

GeneDx
Classification: Uncertain significance. Last evaluated: 2017-02-28. Review status: criteria provided, single submitter. Criteria: GeneDx Variant Classification (06012015). Collection method: clinical testing. Allele origin: germline. Affected: yes.
Comment: A variant of uncertain significance has been identified in the B9D1 gene. The c.449_451delTGG variant has not been published as a pathogenic variant, nor has it been reported as a benign variant to our knowledge. It is not observed in large population cohorts (Lek et al., 2016; 1000 Genomes Consortium et al., 2015; Exome Variant Server). This variant causes a deletion of three nucleotides, leading to an in-frame deletion of a single Valine residue, denoted p.Val150del. Based on the currently available information, it is unclear whether the c.449_451delTGG variant is a pathogenic variant or a rare benign variant.

NM_015681.6(B9D1):c.446TGG[1] (p.Val150del)

Gene: B9D1 (B9 domain containing 1; minus strand). Cytogenetic location: 17p11.2.
Variant type: Microsatellite.
Coding change: c.446TGG[1] on transcript NM_015681.6 (MANE Select); one copy of the 3-base unit TGG starting at c.446; the reference has two copies in a row; one copy, 3 bases deleted.
Protein change: p.Val150del; deletes valine 150.
Molecular consequence: inframe deletion. On other transcripts: intron variant (1).
Genome position (GRCh38, 1-based): chr17:19,343,811-19,343,813, CCA deleted on the plus strand (TGG on the coding strand, the reverse complement: B9D1 is on the minus strand); deleting any 3 consecutive bases within chr17:19,343,811-19,343,818 gives the same sequence; the position shown is the placement nearest the transcript's 3' end. VCF-style (leftmost placement, unchanged base first): chr17-19343810-GCCA-G. GRCh37 (hg19) VCF-style: chr17-19247123-GCCA-G.
Other names: c.446TGG[1], p.Val150del (NM_001321214.2, NM_001321215.3, NM_001321217.2 and 2 more transcripts); c.86TGG[1], p.Val30del (NM_001368769.2); c.404+3456_404+3458del (NM_001321219.2); short protein forms V150del, V30del.
Identifiers: ClinVar variation 423893 (VCV000423893.8), dbSNP rs1064796686, ClinGen allele CA16620346.